The following is an entry in ClinVar:

ClinVar aggregate classification (germline): Pathogenic (1 of 4 stars; one submission).

Conditions:
DICER1-related tumor predisposition. Also called: DICER1-related pleuropulmonary blastoma cancer predisposition syndrome; DICER1 syndrome. Identifiers: Orphanet 284343, MedGen C3839822, MONDO:0100216.

Submission:

Labcorp Genetics (formerly Invitae), Labcorp
Classification: Pathogenic for DICER1-related tumor predisposition. Last evaluated: 2023-06-16. Review status: criteria provided, single submitter. Criteria: Invitae Variant Classification Sherloc (09022015). Collection method: clinical testing. Allele origin: germline.
Comment: For these reasons, this variant has been classified as Pathogenic. This variant has not been reported in the literature in individuals affected with DICER1-related conditions. This variant is not present in population databases (gnomAD no frequency). This sequence change creates a premature translational stop signal (p.Tyr1217*) in the DICER1 gene. It is expected to result in an absent or disrupted protein product. Loss-of-function variants in DICER1 are known to be pathogenic (PMID: 19556464, 21266384).

Literature cited by the submitters: PubMed 19556464; PubMed 21266384.

NM_177438.3(DICER1):c.3651T>G (p.Tyr1217Ter)

Gene: DICER1 (dicer 1, ribonuclease III; minus strand). Cytogenetic location: 14q32.13.
Variant type: single nucleotide variant.
Coding change: c.3651T>G on transcript NM_177438.3 (MANE Select); coding-DNA position 3651, T replaced by G.
Protein change: p.Tyr1217Ter; replaces tyrosine 1217 with a stop codon.
Molecular consequence: nonsense. On other transcripts: non-coding transcript variant (6).
Genome position (GRCh38, 1-based): chr14:95,103,745, A>C on the plus strand (T>G on the coding strand, the complement: DICER1 is on the minus strand). VCF-style: chr14-95103745-A-C. GRCh37 (hg19) VCF-style: chr14-95570082-A-C.
Other names: c.3084T>G, p.Tyr1028Ter (NM_001395691.1); c.3651T>G, p.Tyr1217Ter (NM_001395692.1, NM_001395693.1, NM_001395694.1 and 13 more transcripts); c.3369T>G, p.Tyr1123Ter (NM_001395686.1); c.3246T>G, p.Tyr1082Ter (NM_001395687.1, NM_001395688.1, NM_001395689.1 and 2 more transcripts); c.1968T>G, p.Tyr656Ter (NM_001395697.1); short protein forms Y1082*, Y1217*, Y656*, Y1028*, Y1123*.
Identifiers: ClinVar variation 2717373 (VCV002717373.3), dbSNP rs2542704409, ClinGen allele CA390874531.